The following is an entry in ClinVar:

NM_001034850.3(RETREG1):c.1051C>T (p.Pro351Ser)

Gene: RETREG1 (reticulophagy regulator 1; minus strand). Cytogenetic location: 5p15.1.
Variant type: single nucleotide variant.
Coding change: c.1051C>T on transcript NM_001034850.3 (MANE Select); coding-DNA position 1051, C replaced by T.
Protein change: p.Pro351Ser; replaces proline 351 with serine.
Molecular consequence: missense variant.
Genome position (GRCh38, 1-based): chr5:16,475,184, G>A on the plus strand (C>T on the coding strand, the complement: RETREG1 is on the minus strand). VCF-style: chr5-16475184-G-A. GRCh37 (hg19) VCF-style: chr5-16475293-G-A.
Other names: c.628C>T, p.Pro210Ser (NM_019000.5); short protein forms P210S, P351S.
Identifiers: ClinVar variation 862074 (VCV000862074.8), dbSNP rs77967042, ClinGen allele CA3210250.

ClinVar aggregate classification (germline): Uncertain significance (1 of 4 stars; one submission).

Allele frequency attached by ClinVar (database versions not stated): gnomAD 0.00001 and 0.00005; TOPMed 0.00001; ExAC 0.00004; gnomAD exomes 0.00006 and 0.00007; 1000 Genomes Project 30x 0.00016; 1000 Genomes Project 0.00020.
gnomAD v4.1: 106 of 1,613,548 alleles (0.0066%); highest among the groups gnomAD compares: East Asian, 0.21%; no homozygotes.

Submission:

Labcorp Genetics (formerly Invitae), Labcorp
Classification: Uncertain significance. Last evaluated: 2024-05-22. Review status: criteria provided, single submitter. Criteria: Invitae Variant Classification Sherloc (09022015). Collection method: clinical testing. Allele origin: germline.
Comment: This sequence change replaces proline, which is neutral and non-polar, with serine, which is neutral and polar, at codon 351 of the RETREG1 protein (p.Pro351Ser). This variant is present in population databases (rs77967042, gnomAD 0.08%). This variant has not been reported in the literature in individuals affected with RETREG1-related conditions. ClinVar contains an entry for this variant (Variation ID: 862074). Advanced modeling of protein sequence and biophysical properties (such as structural, functional, and spatial information, amino acid conservation, physicochemical variation, residue mobility, and thermodynamic stability) performed at Invitae indicates that this missense variant is expected to disrupt RETREG1 protein function with a positive predictive value of 80%. In summary, the available evidence is currently insufficient to determine the role of this variant in disease. Therefore, it has been classified as a Variant of Uncertain Significance.